The following is an entry in ClinVar:

NM_016247.4(IMPG2):c.332G>A (p.Arg111Gln)

Gene: IMPG2 (interphotoreceptor matrix proteoglycan 2; minus strand). Cytogenetic location: 3q12.3.
Variant type: single nucleotide variant.
Coding change: c.332G>A on transcript NM_016247.4 (MANE Select); coding-DNA position 332, G replaced by A.
Protein change: p.Arg111Gln; replaces arginine 111 with glutamine.
Molecular consequence: missense variant.
Genome position (GRCh38, 1-based): chr3:101,319,586, C>T on the plus strand (G>A on the coding strand, the complement: IMPG2 is on the minus strand). VCF-style: chr3-101319586-C-T. GRCh37 (hg19) VCF-style: chr3-101038430-C-T.
Other names: short protein forms R111Q.
Identifiers: ClinVar variation 3730898 (VCV003730898.2).

ClinVar aggregate classification (germline): Uncertain significance. Review status: criteria provided, multiple submitters, no conflicts (2 of 4 stars). 2 submissions from 2 submitters: Uncertain significance (2). Last evaluated 2025-06-29.

Conditions:
Inborn genetic diseases. Identifiers: MedGen C0950123, MeSH D030342.

gnomAD v4.1: 3 of 1,613,400 alleles (0.00019%); highest among the groups gnomAD compares: East Asian, 0.0022%; no homozygotes.

Submissions (2):

Ambry Genetics
Classification: Uncertain significance for Inborn genetic diseases. Last evaluated: 2025-06-29. Review status: criteria provided, single submitter. Criteria: Ambry Variant Classification Scheme 2023. Collection method: clinical testing. Allele origin: germline.

GeneDx
Classification: Uncertain significance. Last evaluated: 2024-08-13. Review status: criteria provided, single submitter. Criteria: GeneDx Variant Classification Process June 2021. Collection method: clinical testing. Allele origin: germline. Affected: yes.
Comment: Not observed at significant frequency in large population cohorts (gnomAD); In silico analysis supports that this missense variant has a deleterious effect on protein structure/function; Has not been previously published as pathogenic or benign to our knowledge